The following is an entry in ClinVar:

ClinVar aggregate classification (germline): Uncertain significance (1 of 4 stars; one submission).

Conditions:
Cutis laxa, autosomal recessive, type 1B (ARCL1B). Also called: CUTIS LAXA, AUTOSOMAL RECESSIVE, TYPE IB; EFEMP2-Related Cutis Laxa. Identifiers: Orphanet 90349, MedGen C3280798, MONDO:0013754, OMIM 614437. Disease mechanism: loss of function.

Allele frequency attached by ClinVar (database versions not stated): gnomAD 0.00001; gnomAD exomes 0.00001; TOPMed 0.00002.

Submission:

Labcorp Genetics (formerly Invitae), Labcorp
Classification: Uncertain significance for Cutis laxa, autosomal recessive, type 1B. Last evaluated: 2022-05-31. Review status: criteria provided, single submitter. Criteria: Invitae Variant Classification Sherloc (09022015). Collection method: clinical testing. Allele origin: germline.
Comment: This sequence change replaces histidine, which is basic and polar, with tyrosine, which is neutral and polar, at codon 141 of the EFEMP2 protein (p.His141Tyr). This variant is not present in population databases (gnomAD no frequency). This variant has not been reported in the literature in individuals affected with EFEMP2-related conditions. Algorithms developed to predict the effect of missense changes on protein structure and function are either unavailable or do not agree on the potential impact of this missense change (SIFT: "Deleterious"; PolyPhen-2: "Benign"; Align-GVGD: "Class C0"). In summary, the available evidence is currently insufficient to determine the role of this variant in disease. Therefore, it has been classified as a Variant of Uncertain Significance.

NM_016938.5(EFEMP2):c.421C>T (p.His141Tyr)

Gene: EFEMP2 (EGF-like fibulin extracellular matrix protein 2; minus strand). Cytogenetic location: 11q13.1.
Variant type: single nucleotide variant.
Coding change: c.421C>T on transcript NM_016938.5 (MANE Select); coding-DNA position 421, C replaced by T.
Protein change: p.His141Tyr; replaces histidine 141 with tyrosine.
Molecular consequence: missense variant. On other transcripts: non-coding transcript variant (1).
Genome position (GRCh38, 1-based): chr11:65,870,605, G>A on the plus strand (C>T on the coding strand, the complement: EFEMP2 is on the minus strand). VCF-style: chr11-65870605-G-A. GRCh37 (hg19) VCF-style: chr11-65638076-G-A.
Other names: short protein forms H141Y.
Identifiers: ClinVar variation 1937636 (VCV001937636.2), dbSNP rs1384962426, ClinGen allele CA381307866.